The following is an entry in ClinVar:

ClinVar aggregate classification (germline): Uncertain significance. Review status: criteria provided, multiple submitters, no conflicts (2 of 4 stars). 3 submissions from 3 submitters: Uncertain significance (3). Last evaluated 2025-07-02.

Conditions:
Classic or attenuated familial adenomatous polyposis. Identifiers: MedGen CN372698, MONDO:0021057.
Hereditary cancer-predisposing syndrome. Also called: Tumor predisposition; Hereditary Cancer Syndrome; Hereditary neoplastic syndrome; Neoplastic Syndromes, Hereditary. Identifiers: Orphanet 140162, MedGen C0027672, MeSH D009386, MONDO:0015356.
Familial adenomatous polyposis 1 (FAP1). Also called: FAMILIAL ADENOMATOUS POLYPOSIS 1, ATTENUATED; POLYPOSIS, ADENOMATOUS INTESTINAL. Identifiers: MedGen C2713442, MONDO:0021056, OMIM 175100. Disease mechanism: loss of function.

Submissions (3):

Labcorp Genetics (formerly Invitae), Labcorp
Classification: Uncertain significance for Familial adenomatous polyposis 1. Last evaluated: 2025-07-02. Review status: criteria provided, single submitter. Criteria: Invitae Variant Classification Sherloc (09022015). Collection method: clinical testing. Allele origin: germline.
Comment: This sequence change replaces isoleucine, which is neutral and non-polar, with methionine, which is neutral and non-polar, at codon 2199 of the APC protein (p.Ile2199Met). This variant is not present in population databases (gnomAD no frequency). This variant has not been reported in the literature in individuals affected with APC-related conditions. ClinVar contains an entry for this variant (Variation ID: 1470856). Invitae Evidence Modeling of protein sequence and biophysical properties (such as structural, functional, and spatial information, amino acid conservation, physicochemical variation, residue mobility, and thermodynamic stability) indicates that this missense variant is not expected to disrupt APC protein function with a negative predictive value of 95%. In summary, the available evidence is currently insufficient to determine the role of this variant in disease. Therefore, it has been classified as a Variant of Uncertain Significance.

Ambry Genetics
Classification: Uncertain significance for Hereditary cancer-predisposing syndrome. Last evaluated: 2024-04-26. Review status: criteria provided, single submitter. Criteria: Ambry Variant Classification Scheme 2023. Collection method: clinical testing. Allele origin: germline.
Comment: The p.I2199M variant (also known as c.6597T>G), located in coding exon 15 of the APC gene, results from a T to G substitution at nucleotide position 6597. The isoleucine at codon 2199 is replaced by methionine, an amino acid with highly similar properties. This amino acid position is conserved. In addition, in silico predictors for this gene do not accurately predict pathogenicity. Based on the available evidence, the clinical significance of this variant remains unclear.

All of Us Research Program, National Institutes of Health
Classification: Uncertain significance for Classic or attenuated familial adenomatous polyposis. Last evaluated: 2023-08-15. Review status: criteria provided, single submitter. Criteria: ACMG Guidelines, 2015. Collection method: clinical testing. Allele origin: germline. Inheritance: Autosomal dominant inheritance. Observed: 1 variant allele, 1 heterozygote.
Comment: This missense variant replaces isoleucine with methionine at codon 2199 of the APC protein. Computational prediction suggests that this variant may not impact protein structure and function (internally defined REVEL score threshold <= 0.5, PMID: 27666373). To our knowledge, functional studies have not been reported for this variant. This variant has not been reported in individuals affected with APC-related disorders in the literature. This variant has not been identified in the general population by the Genome Aggregation Database (gnomAD). The available evidence is insufficient to determine the role of this variant in disease conclusively. Therefore, this variant is classified as a Variant of Uncertain Significance.

This study involves interpretation of variants in research participants for the purpose of population health screening. Participant phenotype was not available at the time of variant classification. Additional details can be found in publication PMID: 35346344, PMCID: PMC8962531

NM_000038.6(APC):c.6597T>G (p.Ile2199Met)

Gene: APC (APC regulator of Wnt signaling pathway; plus strand). Cytogenetic location: 5q22.2.
Variant type: single nucleotide variant.
Coding change: c.6597T>G on transcript NM_000038.6 (MANE Select); coding-DNA position 6597, T replaced by G.
Protein change: p.Ile2199Met; replaces isoleucine 2199 with methionine.
Molecular consequence: missense variant.
Genome position (GRCh38, 1-based): chr5:112,842,191, T>G. VCF-style: chr5-112842191-T-G. GRCh37 (hg19) VCF-style: chr5-112177888-T-G.
Other names: c.6597T>G, p.Ile2199Met (NM_001127510.3, NM_001354895.2); c.6543T>G, p.Ile2181Met (NM_001127511.3); c.6651T>G, p.Ile2217Met (NM_001354896.2); c.6627T>G, p.Ile2209Met (NM_001354897.2); c.6522T>G, p.Ile2174Met (NM_001354898.2); c.6513T>G, p.Ile2171Met (NM_001354899.2); c.6474T>G, p.Ile2158Met (NM_001354900.2); c.6420T>G, p.Ile2140Met (NM_001354901.2); and 6 more; short protein forms I2039M, I2171M, I2209M, I1916M, I2073M, I2140M, I2158M, I2108M.
Identifiers: ClinVar variation 1470856 (VCV001470856.8), dbSNP rs2149968541, ClinGen allele CA16035768.